The following is an entry in ClinVar:

ClinVar aggregate classification (germline): Uncertain significance (1 of 4 stars; one submission).

Conditions:
Familial cancer of breast. Also called: hereditary breast carcinoma; BREAST CANCER, FAMILIAL; Hereditary breast cancer. Identifiers: Orphanet 227535, MedGen C0346153, MONDO:0016419, OMIM 114480. Disease mechanism: loss of function.

Allele frequency attached by ClinVar (database versions not stated): gnomAD exomes below 0.00001.
gnomAD v4.1: 1 of 1,613,492 alleles (0.000062%); no homozygotes.

Submission:

Labcorp Genetics (formerly Invitae), Labcorp
Classification: Uncertain significance for Familial cancer of breast. Last evaluated: 2022-11-04. Review status: criteria provided, single submitter. Criteria: Invitae Variant Classification Sherloc (09022015). Collection method: clinical testing. Allele origin: germline.
Comment: In summary, the available evidence is currently insufficient to determine the role of this variant in disease. Therefore, it has been classified as a Variant of Uncertain Significance. Algorithms developed to predict the effect of missense changes on protein structure and function (SIFT, PolyPhen-2, Align-GVGD) all suggest that this variant is likely to be disruptive. This variant has not been reported in the literature in individuals affected with BARD1-related conditions. This variant is not present in population databases (gnomAD no frequency). This sequence change replaces leucine, which is neutral and non-polar, with tryptophan, which is neutral and slightly polar, at codon 114 of the BARD1 protein (p.Leu114Trp).

NM_000465.4(BARD1):c.341T>G (p.Leu114Trp)

Gene: BARD1 (BRCA1 associated RING domain 1; minus strand). Cytogenetic location: 2q35.
Variant type: single nucleotide variant.
Coding change: c.341T>G on transcript NM_000465.4 (MANE Select); coding-DNA position 341, T replaced by G.
Protein change: p.Leu114Trp; replaces leucine 114 with tryptophan.
Molecular consequence: missense variant. On other transcripts: non-coding transcript variant (1), intron variant (2).
Genome position (GRCh38, 1-based): chr2:214,792,320, A>C on the plus strand (T>G on the coding strand, the complement: BARD1 is on the minus strand). VCF-style: chr2-214792320-A-C. GRCh37 (hg19) VCF-style: chr2-215657044-A-C.
Other names: c.284T>G, p.Leu95Trp (NM_001282543.2); c.341T>G, p.Leu114Trp (NM_001282549.2); c.158+17092T>G (NM_001282548.2); c.215+4741T>G (NM_001282545.2); short protein forms L114W, L95W.
Identifiers: ClinVar variation 2887373 (VCV002887373.3), dbSNP rs2469560396, ClinGen allele CA350460817.